The following is an entry in ClinVar:

NM_001035.3(RYR2):c.11639G>A (p.Arg3880Lys)

Gene: RYR2 (ryanodine receptor 2; plus strand). Cytogenetic location: 1q43.
Variant type: single nucleotide variant.
Coding change: c.11639G>A on transcript NM_001035.3 (MANE Select); coding-DNA position 11639, G replaced by A.
Protein change: p.Arg3880Lys; replaces arginine 3880 with lysine.
Molecular consequence: missense variant.
Genome position (GRCh38, 1-based): chr1:237,772,093, G>A. VCF-style: chr1-237772093-G-A. GRCh37 (hg19) VCF-style: chr1-237935393-G-A.
Other names: short protein forms R3880K.
Identifiers: ClinVar variation 944313 (VCV000944313.11), dbSNP rs766515965, ClinGen allele CA345407295.

ClinVar aggregate classification (germline): Uncertain significance (1 of 4 stars; one submission).

Conditions:
Catecholaminergic polymorphic ventricular tachycardia 1. Also called: VENTRICULAR TACHYCARDIA, CATECHOLAMINERGIC POLYMORPHIC, 1, WITH OR WITHOUT ATRIAL DYSFUNCTION AND/OR DILATED CARDIOMYOPATHY; VENTRICULAR TACHYCARDIA, STRESS-INDUCED POLYMORPHIC 1; RYR2-Related Catecholaminergic Polymorphic Ventricular Tachycardia. Identifiers: Orphanet 3286, MedGen C1631597, MONDO:0011484, OMIM 604772.

Submission:

Labcorp Genetics (formerly Invitae), Labcorp
Classification: Uncertain significance for Catecholaminergic polymorphic ventricular tachycardia 1. Last evaluated: 2019-11-14. Review status: criteria provided, single submitter. Criteria: Invitae Variant Classification Sherloc (09022015). Collection method: clinical testing. Allele origin: germline.
Comment: This sequence change replaces arginine with lysine at codon 3880 of the RYR2 protein (p.Arg3880Lys). The arginine residue is highly conserved and there is a small physicochemical difference between arginine and lysine. This variant is not present in population databases (ExAC no frequency). This variant has not been reported in the literature in individuals with RYR2-related conditions. Algorithms developed to predict the effect of missense changes on protein structure and function are either unavailable or do not agree on the potential impact of this missense change (SIFT: "Deleterious"; PolyPhen-2: "Possibly Damaging"; Align-GVGD: "Class C0"). In summary, the available evidence is currently insufficient to determine the role of this variant in disease. Therefore, it has been classified as a Variant of Uncertain Significance.